The following is an entry in ClinVar:

NM_001297595.2(SIN3B):c.576G>A (p.Thr192=)

Gene: SIN3B (SIN3 transcription regulator family member B; plus strand). Cytogenetic location: 19p13.11.
Variant type: single nucleotide variant.
Coding change: c.576G>A on transcript NM_001297595.2 (MANE Select); coding-DNA position 576, G replaced by A.
Protein change: p.Thr192=; no amino-acid change (threonine 192 retained).
Molecular consequence: synonymous variant.
Genome position (GRCh38, 1-based): chr19:16,841,962, G>A. VCF-style: chr19-16841962-G-A. GRCh37 (hg19) VCF-style: chr19-16952773-G-A.
Other names: c.576G>A, p.Thr192= (NM_015260.4).
Identifiers: ClinVar variation 3034782 (VCV003034782.2), dbSNP rs373254965, ClinGen allele CA9282850.

ClinVar aggregate classification (germline): Likely benign (0 of 4 stars; one submission).

Conditions:
SIN3B-related disorder. Also called: SIN3B-related condition.

Allele frequency attached by ClinVar (database versions not stated): TOPMed below 0.00001; ExAC 0.00002; ESP Exome Variant Server 0.00008.
gnomAD v4.1: 10 of 1,612,984 alleles (0.00062%); highest among the groups gnomAD compares: Middle Eastern, 0.016%; no homozygotes.

Submission:

PreventionGenetics, part of Exact Sciences
Classification: Likely benign for SIN3B-related condition. Last evaluated: 2019-07-30. Review status: no assertion criteria provided. Collection method: clinical testing. Allele origin: germline.
Comment: This variant is classified as likely benign based on ACMG/AMP sequence variant interpretation guidelines (Richards et al. 2015 PMID: 25741868, with internal and published modifications).